The following is an entry in ClinVar:

NM_000297.4(PKD2):c.2393G>A (p.Arg798His)

Gene: PKD2 (polycystin 2, transient receptor potential cation channel; plus strand). Cytogenetic location: 4q22.1.
Variant type: single nucleotide variant.
Coding change: c.2393G>A on transcript NM_000297.4 (MANE Select); coding-DNA position 2393, G replaced by A.
Protein change: p.Arg798His; replaces arginine 798 with histidine.
Molecular consequence: missense variant. On other transcripts: non-coding transcript variant (1).
Genome position (GRCh38, 1-based): chr4:88,067,932, G>A. VCF-style: chr4-88067932-G-A. GRCh37 (hg19) VCF-style: chr4-88989084-G-A.
Other names: short protein forms R798H.
Identifiers: ClinVar variation 2514775 (VCV002514775.7), dbSNP rs1195484858, ClinGen allele CA357626632.

ClinVar aggregate classification (germline): Uncertain significance. Review status: criteria provided, multiple submitters, no conflicts (2 of 4 stars). 3 submissions from 3 submitters: Uncertain significance (3). Last evaluated 2026-07-19.

Conditions:
Inborn genetic diseases. Identifiers: MedGen C0950123, MeSH D030342.
PKD2-related disorder. Also called: PKD2-related condition.
Autosomal dominant polycystic kidney disease. Identifiers: Orphanet 730, MedGen C0085413, MONDO:0004691.

Allele frequency attached by ClinVar (database versions not stated): gnomAD exomes 0.00001; TOPMed 0.00002; gnomAD 0.00002.
gnomAD v4.1: 18 of 1,613,876 alleles (0.0011%); highest among the groups gnomAD compares: South Asian, 0.0022%; no homozygotes.

Submissions (3):

Ambry Genetics
Classification: Uncertain significance for Inborn genetic diseases. Last evaluated: 2026-07-19. Review status: criteria provided, single submitter. Criteria: Ambry Variant Classification Scheme 2023. Collection method: clinical testing. Allele origin: germline.

Labcorp Genetics (formerly Invitae), Labcorp
Classification: Uncertain significance for Autosomal dominant polycystic kidney disease. Last evaluated: 2026-01-12. Review status: criteria provided, single submitter. Criteria: Invitae Variant Classification Sherloc (09022015). Collection method: clinical testing. Allele origin: germline.
Comment: This sequence change replaces arginine, which is basic and polar, with histidine, which is basic and polar, at codon 798 of the PKD2 protein (p.Arg798His). This variant is present in population databases (no rsID available, gnomAD 0.0009%). This variant has not been reported in the literature in individuals affected with PKD2-related conditions. ClinVar contains an entry for this variant (Variation ID: 2514775). Invitae Evidence Modeling of protein sequence and biophysical properties (such as structural, functional, and spatial information, amino acid conservation, physicochemical variation, residue mobility, and thermodynamic stability) has been performed for this missense variant. However, the output from this modeling did not meet the statistical confidence thresholds required to predict the impact of this variant on PKD2 protein function. In summary, the available evidence is currently insufficient to determine the role of this variant in disease. Therefore, it has been classified as a Variant of Uncertain Significance.

PreventionGenetics, part of Exact Sciences
Classification: Uncertain significance for PKD2-related condition. Last evaluated: 2025-03-12. Review status: criteria provided, single submitter. Criteria: ACMG Guidelines, 2015. Collection method: clinical testing. Allele origin: germline.
Comment: The PKD2 c.2393G>A variant is predicted to result in the amino acid substitution p.Arg798His. To our knowledge, this variant has not been reported in the literature. This variant is reported in 0.00088% of alleles in individuals of European (Non-Finnish) descent in gnomAD. Of note, a different substitution at the same codon, defined as c.2392C>T (p.Arg798Cys), was reported in patients with autosomal dominant polycystic kidney disease (ADPKD), but one patient also has a pathogenic frameshift variant in PKD1 that is likely the primary cause of ADPKD (Table 7, Carrera et al. 2016. PubMed ID: 27499327; Supplementary Table 2, Nielsen et al. 2021. PubMed ID: 33639313). At this time, the clinical significance of the c.2393G>A (p.Arg798His) variant is uncertain due to the absence of conclusive functional and genetic evidence.